The following is an entry in ClinVar:

ClinVar aggregate classification (germline): Likely benign. Review status: criteria provided, multiple submitters, no conflicts (2 of 4 stars). 4 submissions from 4 submitters: Likely benign (3). 1 of the submissions does not count toward it. Last evaluated 2026-06-15.

Conditions:
FAT4-related disorder. Also called: FAT4-related condition.

Allele frequency attached by ClinVar (database versions not stated): gnomAD exomes 0.00003 and 0.00007; ExAC 0.00011; gnomAD 0.00024 and 0.00026; ESP Exome Variant Server 0.00031; TOPMed 0.00031.
gnomAD v4.1: 86 of 1,613,630 alleles (0.0053%); highest among the groups gnomAD compares: African/African-American, 0.092%; no homozygotes.

Submissions (4):

Women's Health and Genetics/Laboratory Corporation of America, LabCorp
Classification: Likely benign. Last evaluated: 2026-06-15. Review status: criteria provided, single submitter. Criteria: LabCorp Variant Classification Summary - May 2015. Collection method: clinical testing. Allele origin: germline.

Labcorp Genetics (formerly Invitae), Labcorp
Classification: Likely benign. Last evaluated: 2025-12-27. Review status: criteria provided, single submitter. Criteria: Invitae Variant Classification Sherloc (09022015). Collection method: clinical testing. Allele origin: germline.

Blueprint Genetics
Classification: Likely benign. Last evaluated: 2024-10-09. Review status: criteria provided, single submitter. Criteria: ACMG Guidelines, 2015. Collection method: clinical testing. Allele origin: germline.

PreventionGenetics, part of Exact Sciences
Classification: Likely benign for FAT4-related condition. Last evaluated: 2019-04-01. Review status: no assertion criteria provided. Collection method: clinical testing. Allele origin: germline. Not counted in ClinVar's aggregate classification.
Comment: This variant is classified as likely benign based on ACMG/AMP sequence variant interpretation guidelines (Richards et al. 2015 PMID: 25741868, with internal and published modifications).

NM_001291303.3(FAT4):c.8580C>T (p.Val2860=)

Gene: FAT4 (FAT atypical cadherin 4; plus strand). Cytogenetic location: 4q28.1.
Variant type: single nucleotide variant.
Coding change: c.8580C>T on transcript NM_001291303.3 (MANE Select); coding-DNA position 8580, C replaced by T.
Protein change: p.Val2860=; no amino-acid change (valine 2860 retained).
Molecular consequence: synonymous variant.
Genome position (GRCh38, 1-based): chr4:125,449,590, C>T. VCF-style: chr4-125449590-C-T. GRCh37 (hg19) VCF-style: chr4-126370745-C-T.
Other names: c.8580C>T, p.Val2860= (NM_001291285.3); c.8574C>T, p.Val2858= (NM_024582.6); c.8574C>T (NM_024582.4).
Identifiers: ClinVar variation 1597623 (VCV001597623.12), dbSNP rs144031841, ClinGen allele CA3073398.
Genomic context (GRCh38, chr4:125,449,590, plus strand): 5'-AGACCGTTACAGAATTCGAGTTTCCGCACATGATTCTGGGTGGACTGTAAGTACAGATGT[C>T]ACAATATTTGTGACAGACATCAATGACAATGCTCCAAGATTTAGCAGAACTTCCTATTAT-3'
Protein context (NP_001278232.1, residues 2850-2870): HDSGWTVSTD[Val2860=]TIFVTDINDN